The following is an entry in ClinVar:

ClinVar aggregate classification (germline): Uncertain significance. Review status: criteria provided, multiple submitters, no conflicts (2 of 4 stars). 2 submissions from 2 submitters: Uncertain significance (2). Last evaluated 2025-04-09.

Conditions:
Cardiovascular phenotype. Identifiers: MedGen CN230736.
RASopathy. Also called: Noonan spectrum disorder; rasopathies. Identifiers: Orphanet 536391, MedGen C5555857, MONDO:0021060.

Submissions (2):

Ambry Genetics
Classification: Uncertain significance for Cardiovascular phenotype. Last evaluated: 2025-04-09. Review status: criteria provided, single submitter. Criteria: Ambry Variant Classification Scheme 2023. Collection method: clinical testing. Allele origin: germline.
Comment: The p.S524A variant (also known as c.1570T>G), located in coding exon 11 of the CBL gene, results from a T to G substitution at nucleotide position 1570. The serine at codon 524 is replaced by alanine, an amino acid with similar properties. This amino acid position is conserved. In addition, this alteration is predicted to be tolerated by in silico analysis. Based on the available evidence, the clinical significance of this variant remains unclear.

Labcorp Genetics (formerly Invitae), Labcorp
Classification: Uncertain significance for RASopathy. Last evaluated: 2025-02-02. Review status: criteria provided, single submitter. Criteria: Invitae Variant Classification Sherloc (09022015). Collection method: clinical testing. Allele origin: germline.
Comment: This sequence change replaces serine, which is neutral and polar, with alanine, which is neutral and non-polar, at codon 524 of the CBL protein (p.Ser524Ala). This variant is not present in population databases (gnomAD no frequency). This variant has not been reported in the literature in individuals affected with CBL-related conditions. ClinVar contains an entry for this variant (Variation ID: 2084717). Invitae Evidence Modeling of protein sequence and biophysical properties (such as structural, functional, and spatial information, amino acid conservation, physicochemical variation, residue mobility, and thermodynamic stability) indicates that this missense variant is not expected to disrupt CBL protein function with a negative predictive value of 95%. In summary, the available evidence is currently insufficient to determine the role of this variant in disease. Therefore, it has been classified as a Variant of Uncertain Significance.

NM_005188.4(CBL):c.1570T>G (p.Ser524Ala)

Gene: CBL (Cbl proto-oncogene; plus strand). Cytogenetic location: 11q23.3.
Variant type: single nucleotide variant.
Coding change: c.1570T>G on transcript NM_005188.4 (MANE Select); coding-DNA position 1570, T replaced by G.
Protein change: p.Ser524Ala; replaces serine 524 with alanine.
Molecular consequence: missense variant.
Genome position (GRCh38, 1-based): chr11:119,285,195, T>G. VCF-style: chr11-119285195-T-G. GRCh37 (hg19) VCF-style: chr11-119155905-T-G.
Other names: c.1570T>G (NM_005188.2); short protein forms S524A.
Identifiers: ClinVar variation 2084717 (VCV002084717.5), dbSNP rs2496952115, ClinGen allele CA382918800.